The following is an entry in ClinVar:

NM_152384.3(BBS5):c.619C>T (p.Arg207Cys)

Gene: BBS5 (Bardet-Biedl syndrome 5; plus strand). Cytogenetic location: 2q31.1.
Variant type: single nucleotide variant.
Coding change: c.619C>T on transcript NM_152384.3 (MANE Select); coding-DNA position 619, C replaced by T.
Protein change: p.Arg207Cys; replaces arginine 207 with cysteine.
Molecular consequence: missense variant.
Genome position (GRCh38, 1-based): chr2:169,497,627, C>T. VCF-style: chr2-169497627-C-T. GRCh37 (hg19) VCF-style: chr2-170354137-C-T.
Other names: c.619C>T (NM_152384.2); short protein forms R207C.
Identifiers: ClinVar variation 1905699 (VCV001905699.3), dbSNP rs756421732, ClinGen allele CA1956262.
Genomic context (GRCh38, chr2:169,497,627, plus strand): 5'-AAAGAGTCACTATTCAGTTAATAAAAACTTGCATGTTTTTCTTTTTCATTTTGTATCTAG[C>T]GTTCAATAAAGATTAGAGATTCAAAATTTGGTTTAGCTCTTGTCATAGAAAGCTCTCAGC-3'
Protein context (NP_689597.1, residues 197-217): FNVSIPYLQI[Arg207Cys]SIKIRDSKFG

ClinVar aggregate classification (germline): Uncertain significance. Review status: criteria provided, multiple submitters, no conflicts (2 of 4 stars). 2 submissions from 2 submitters: Uncertain significance (2). Last evaluated 2026-03-10.

Conditions:
BBS5-related disorder. Also called: BBS5-related condition.
Bardet-Biedl syndrome (BBS). Identifiers: Orphanet 110, MedGen C0752166, MONDO:0015229.

Allele frequency attached by ClinVar (database versions not stated): gnomAD exomes below 0.00001; ExAC 0.00002; gnomAD 0.00002; TOPMed 0.00002.
gnomAD v4.1: 8 of 1,570,194 alleles (0.00051%); highest among the groups gnomAD compares: African/African-American, 0.0068%; no homozygotes.

Submissions (2):

PreventionGenetics, part of Exact Sciences
Classification: Uncertain significance for BBS5-related condition. Last evaluated: 2026-03-10. Review status: criteria provided, single submitter. Criteria: ACMG Guidelines, 2015. Collection method: clinical testing. Allele origin: germline.
Comment: The BBS5 c.619C>T variant is predicted to result in the amino acid substitution p.Arg207Cys. To our knowledge, this variant has not been reported in the literature. This variant is reported in 0.019% of alleles in individuals of African descent in gnomAD. At this time, the clinical significance of this variant is uncertain due to the absence of conclusive functional and genetic evidence.

Labcorp Genetics (formerly Invitae), Labcorp
Classification: Uncertain significance for Bardet-Biedl syndrome. Last evaluated: 2022-07-23. Review status: criteria provided, single submitter. Criteria: Invitae Variant Classification Sherloc (09022015). Collection method: clinical testing. Allele origin: germline.
Comment: This sequence change replaces arginine, which is basic and polar, with cysteine, which is neutral and slightly polar, at codon 207 of the BBS5 protein (p.Arg207Cys). This variant is present in population databases (rs756421732, gnomAD 0.02%). This variant has not been reported in the literature in individuals affected with BBS5-related conditions. Algorithms developed to predict the effect of missense changes on protein structure and function (SIFT, PolyPhen-2, Align-GVGD) all suggest that this variant is likely to be tolerated. In summary, the available evidence is currently insufficient to determine the role of this variant in disease. Therefore, it has been classified as a Variant of Uncertain Significance.